The following is an entry in ClinVar:

NM_001374736.1(DST):c.19210G>A (p.Val6404Ile)

Gene: DST (dystonin; minus strand). Cytogenetic location: 6p12.1.
Variant type: single nucleotide variant.
Coding change: c.19210G>A on transcript NM_001374736.1 (MANE Select); coding-DNA position 19210, G replaced by A.
Protein change: p.Val6404Ile; replaces valine 6404 with isoleucine.
Molecular consequence: missense variant.
Genome position (GRCh38, 1-based): chr6:56,508,558, C>T on the plus strand (G>A on the coding strand, the complement: DST is on the minus strand). VCF-style: chr6-56508558-C-T. GRCh37 (hg19) VCF-style: chr6-56373356-C-T.
Other names: c.12853G>A, p.Val4285Ile (NM_001144769.5); c.12439G>A, p.Val4147Ile (NM_001144770.2); c.19210G>A, p.Val6404Ile (NM_001374722.1); c.18250G>A, p.Val6084Ile (NM_001374729.1); c.11992G>A, p.Val3998Ile (NM_001374730.1); c.19237G>A, p.Val6413Ile (NM_001374734.1); c.11341G>A, p.Val3781Ile (NM_015548.5); c.12319G>A, p.Val4107Ile (NM_183380.4); short protein forms V3781I, V4147I, V4285I, V6413I, V6084I, V6404I, V3998I, V4107I.
Identifiers: ClinVar variation 964859 (VCV000964859.8), dbSNP rs773401291, ClinGen allele CA3867056.

ClinVar aggregate classification (germline): Uncertain significance (1 of 4 stars; one submission).

Conditions:
Epidermolysis bullosa simplex 3, localized or generalized intermediate, with BP230 deficiency (EBS3). Also called: Epidermolysis bullosa simplex, autosomal recessive 2; Epidermolysis bullosa simplex due to BP230 deficiency. Identifiers: Orphanet 412181, MedGen C3809470, MONDO:0014180, OMIM 615425.
Hereditary sensory and autonomic neuropathy type 6. Also called: Neuropathy, hereditary sensory and autonomic, type VI; HSAN VI. Identifiers: Orphanet 314381, MedGen C3539003, MONDO:0013839, OMIM 614653.

Allele frequency attached by ClinVar (database versions not stated): ExAC 0.00001.
gnomAD v4.1: 1 of 1,613,794 alleles (0.000062%); no homozygotes.

Submission:

Labcorp Genetics (formerly Invitae), Labcorp
Classification: Uncertain significance for Epidermolysis bullosa simplex 3, localized or generalized intermediate, with BP230 deficiency; Hereditary sensory and autonomic neuropathy type 6. Last evaluated: 2019-04-19. Review status: criteria provided, single submitter. Criteria: Invitae Variant Classification Sherloc (09022015). Collection method: clinical testing. Allele origin: germline.
Comment: This sequence change replaces valine with isoleucine at codon 3781 of the DST protein (p.Val3781Ile). The valine residue is moderately conserved and there is a small physicochemical difference between valine and isoleucine. The DST gene has multiple clinically relevant transcripts. The p.Val3781Ile variant occurs in alternate transcript NM_015548.4, which corresponds to c.*106959G>A in NM_001723.5, the primary transcript listed in the Methods. This variant is present in population databases (rs773401291, ExAC 0.006%). This variant has not been reported in the literature in individuals with DST-related conditions. Algorithms developed to predict the effect of missense changes on protein structure and function output the following: SIFT: "Tolerated"; PolyPhen-2: "Benign"; Align-GVGD: "Class C0". The isoleucine amino acid residue is found in multiple mammalian species, suggesting that this missense change does not adversely affect protein function. These predictions have not been confirmed by published functional studies and their clinical significance is uncertain. In summary, the available evidence is currently insufficient to determine the role of this variant in disease. Therefore, it has been classified as a Variant of Uncertain Significance.